The following is an entry in ClinVar:

ClinVar aggregate classification (germline): Conflicting classifications of pathogenicity. Review status: criteria provided, conflicting classifications (1 of 4 stars). 4 submissions from 4 submitters: Uncertain significance (1); Benign (1); Likely benign (2). Last evaluated 2026-01-26.

Conditions:
Inborn genetic diseases. Identifiers: MedGen C0950123, MeSH D030342.
Lafora disease. Also called: Progressive Myoclonus Epilepsy, Lafora Type; Epilepsy progressive myoclonic 2. Identifiers: Orphanet 501, MedGen C0751783, MONDO:0009697.

Allele frequency attached by ClinVar (database versions not stated): ESP Exome Variant Server 0.00038; 1000 Genomes Project 0.00040; ExAC 0.00012; gnomAD 0.00013 and 0.00023; TOPMed 0.00027; 1000 Genomes Project 30x 0.00031.

Submissions (4):

Labcorp Genetics (formerly Invitae), Labcorp
Classification: Likely benign for Lafora disease. Last evaluated: 2026-01-26. Review status: criteria provided, single submitter. Criteria: Invitae Variant Classification Sherloc (09022015). Collection method: clinical testing. Allele origin: germline.

Illumina Laboratory Services, Illumina
Classification: Uncertain significance for Myoclonic epilepsy of Lafora 1. Last evaluated: 2018-01-12. Review status: criteria provided, single submitter. Criteria: ICSL Variant Classification Criteria 13 December 2019. Collection method: clinical testing. Allele origin: germline.

Ambry Genetics
Classification: Likely benign for Inborn genetic diseases. Last evaluated: 2017-05-11. Review status: criteria provided, single submitter. Criteria: Ambry Variant Classification Scheme 2023. Collection method: clinical testing. Allele origin: germline.

GeneDx
Classification: Benign. Last evaluated: 2014-10-14. Review status: criteria provided, single submitter. Criteria: GeneDx Variant Classification (06012015). Collection method: clinical testing. Allele origin: germline. Affected: yes.
Comment: This variant is considered likely benign or benign based on one or more of the following criteria: it is a conservative change, it occurs at a poorly conserved position in the protein, it is predicted to be benign by multiple in silico algorithms, and/or has population frequency not consistent with disease.

NM_198586.3(NHLRC1):c.513C>T (p.Ala171=)

Gene: NHLRC1 (NHL repeat containing E3 ubiquitin protein ligase 1; minus strand). Cytogenetic location: 6p22.3.
Variant type: single nucleotide variant.
Coding change: c.513C>T on transcript NM_198586.3 (MANE Select); coding-DNA position 513, C replaced by T.
Protein change: p.Ala171=; no amino-acid change (alanine 171 retained).
Molecular consequence: synonymous variant.
Genome position (GRCh38, 1-based): chr6:18,122,094, G>A on the plus strand (C>T on the coding strand, the complement: NHLRC1 is on the minus strand). VCF-style: chr6-18122094-G-A. GRCh37 (hg19) VCF-style: chr6-18122325-G-A.
Other names: p.A171A:GCC>GCT.
Identifiers: ClinVar variation 206177 (VCV000206177.21), dbSNP rs148907696, ClinGen allele CA316010.